The following is an entry in ClinVar:

ClinVar aggregate classification (germline): Likely benign. Review status: criteria provided, single submitter (1 of 4 stars). 2 submissions from 2 submitters: Likely benign (1). 1 of the submissions does not count toward it. Last evaluated 2026-03-01.

Conditions:
FSIP2-related disorder. Also called: FSIP2-related condition.

Allele frequency attached by ClinVar (database versions not stated): 1000 Genomes Project 0.00479; 1000 Genomes Project 30x 0.00515.
gnomAD v4.1: 2,296 of 1,485,778 alleles (0.15%); highest among the groups gnomAD compares: Middle Eastern, 0.77%; 13 homozygotes.

Submissions (2):

CeGaT Center for Human Genetics Tuebingen
Classification: Likely benign. Last evaluated: 2026-03-01. Review status: criteria provided, single submitter. Criteria: CeGaT Center For Human Genetics Tuebingen Variant Classification Criteria Version 2. Collection method: clinical testing. Allele origin: germline. Affected: yes. Observed: 4 variant alleles.
Comment: FSIP2: BP4, BS2

PreventionGenetics, part of Exact Sciences
Classification: Likely benign for FSIP2-related condition. Last evaluated: 2019-02-22. Review status: no assertion criteria provided. Collection method: clinical testing. Allele origin: germline. Not counted in ClinVar's aggregate classification.
Comment: This variant is classified as likely benign based on ACMG/AMP sequence variant interpretation guidelines (Richards et al. 2015 PMID: 25741868, with internal and published modifications).

NM_173651.4(FSIP2):c.1217A>T (p.Asn406Ile)

Gene: FSIP2 (fibrous sheath interacting protein 2; plus strand). Cytogenetic location: 2q32.1.
Variant type: single nucleotide variant.
Coding change: c.1217A>T on transcript NM_173651.4 (MANE Select); coding-DNA position 1217, A replaced by T.
Protein change: p.Asn406Ile; replaces asparagine 406 with isoleucine.
Molecular consequence: missense variant.
Genome position (GRCh38, 1-based): chr2:185,761,994, A>T. VCF-style: chr2-185761994-A-T. GRCh37 (hg19) VCF-style: chr2-186626721-A-T.
Other names: short protein forms N406I.
Identifiers: ClinVar variation 3034829 (VCV003034829.15), dbSNP rs115046550, ClinGen allele CA2016507.
Genomic context (GRCh38, chr2:185,761,994, plus strand): 5'-CTAATGTAATTTTTTCTCTTCAATGTGGTACCATGTAGAGAGATGGGATGGTATCTAAAA[A>T]CTCAAGTATTTTCGATGATAGAGGTAAGAAAATAAACAATAGTCATAATTTTTCTGTTAT-3'
Protein context (NP_775922.3, residues 396-416): NQKRDGMVSK[Asn406Ile]SSIFDDRGGI